The following is an entry in ClinVar:

NM_005465.7(AKT3):c.497G>A (p.Arg166Gln)

Gene: AKT3 (AKT serine/threonine kinase 3; minus strand). Cytogenetic location: 1q44.
Variant type: single nucleotide variant.
Coding change: c.497G>A on transcript NM_005465.7 (MANE Select); coding-DNA position 497, G replaced by A.
Protein change: p.Arg166Gln; replaces arginine 166 with glutamine.
Molecular consequence: missense variant.
Genome position (GRCh38, 1-based): chr1:243,637,675, C>T on the plus strand (G>A on the coding strand, the complement: AKT3 is on the minus strand). VCF-style: chr1-243637675-C-T. GRCh37 (hg19) VCF-style: chr1-243800977-C-T.
Other names: c.497G>A, p.Arg166Gln (NM_001206729.2, NM_001370074.1, NM_181690.2); short protein forms R166Q.
Identifiers: ClinVar variation 3252383 (VCV003252383.1), dbSNP rs2528154496.
Genomic context (GRCh38, chr1:243,637,675, plus strand): 5'-GCAATAATGACTTCTTTCTTCAGAATCTTCATAGCATAGTATTTTCCACTTGCCTTCTCT[C>T]GAACCAAAATAACTTTCCCAAAAGTGCCTTTACCTAGTAGTTTCAAATAGTCAAAATCAT-3'
Protein context (NP_005456.1, residues 156-176): KGTFGKVILV[Arg166Gln]EKASGKYYAM

ClinVar aggregate classification (germline): Uncertain significance (1 of 4 stars; one submission).

Allele frequency attached by ClinVar (database versions not stated): gnomAD exomes below 0.00001.
gnomAD v4.1: 1 of 1,605,926 alleles (0.000062%); no homozygotes.

Submission:

GeneDx
Classification: Uncertain significance. Last evaluated: 2024-04-17. Review status: criteria provided, single submitter. Criteria: GeneDx Variant Classification Process June 2021. Collection method: clinical testing. Allele origin: germline. Affected: yes.
Comment: Not observed at significant frequency in large population cohorts (gnomAD); In silico analysis supports that this missense variant has a deleterious effect on protein structure/function; Has not been previously published as pathogenic or benign to our knowledge